The following is an entry in ClinVar:

NM_001004334.4(GPR179):c.4624G>T (p.Val1542Phe)

Gene: GPR179 (G protein-coupled receptor 179; minus strand). Cytogenetic location: 17q12.
Variant type: single nucleotide variant.
Coding change: c.4624G>T on transcript NM_001004334.4 (MANE Select); coding-DNA position 4624, G replaced by T.
Protein change: p.Val1542Phe; replaces valine 1542 with phenylalanine.
Molecular consequence: missense variant.
Genome position (GRCh38, 1-based): chr17:38,328,945, C>A on the plus strand (G>T on the coding strand, the complement: GPR179 is on the minus strand). VCF-style: chr17-38328945-C-A. GRCh37 (hg19) VCF-style: chr17-36484828-C-A.
Other names: short protein forms V1542F.
Identifiers: ClinVar variation 1378797 (VCV001378797.6), dbSNP rs1262498130, ClinGen allele CA398876463.

ClinVar aggregate classification (germline): Uncertain significance (1 of 4 stars; one submission).

Allele frequency attached by ClinVar (database versions not stated): gnomAD 0.00001; gnomAD exomes 0.00001.
gnomAD v4.1: 13 of 1,613,988 alleles (0.00081%); highest among the groups gnomAD compares: Non-Finnish European, 0.001%; no homozygotes.

Submission:

Labcorp Genetics (formerly Invitae), Labcorp
Classification: Uncertain significance. Last evaluated: 2021-08-31. Review status: criteria provided, single submitter. Criteria: Invitae Variant Classification Sherloc (09022015). Collection method: clinical testing. Allele origin: germline.
Comment: Algorithms developed to predict the effect of missense changes on protein structure and function are either unavailable or do not agree on the potential impact of this missense change (SIFT: "Deleterious"; PolyPhen-2: "Benign"; Align-GVGD: "Class C0"). This sequence change replaces valine with phenylalanine at codon 1542 of the GPR179 protein (p.Val1542Phe). The valine residue is weakly conserved and there is a small physicochemical difference between valine and phenylalanine. This variant is not present in population databases (ExAC no frequency). This variant has not been reported in the literature in individuals affected with GPR179-related conditions. In summary, the available evidence is currently insufficient to determine the role of this variant in disease. Therefore, it has been classified as a Variant of Uncertain Significance.